The following is an entry in ClinVar:

NC_000016.9:g.(?_68771309)_(68772324_?)dup

Genes: CDH1 (cadherin 1; plus strand), LOC130059290 (ATAC-STARR-seq lymphoblastoid silent region 7650; plus strand). Cytogenetic location: 16q22.1.
Variant type: Duplication.
Identifiers: ClinVar variation 646954 (VCV000646954.1).

ClinVar aggregate classification (germline): Uncertain significance (1 of 4 stars; one submission).

Conditions:
Hereditary diffuse gastric adenocarcinoma (HDGC). Also called: DIFFUSE GASTRIC AND LOBULAR BREAST CANCER SYNDROME. Identifiers: Orphanet 26106, MedGen C1708349, MONDO:0007648, OMIM 137215.

Submission:

Labcorp Genetics (formerly Invitae), Labcorp
Classification: Uncertain significance for Hereditary diffuse gastric cancer. Last evaluated: 2018-10-04. Review status: criteria provided, single submitter. Criteria: Invitae Variant Classification Sherloc (09022015). Collection method: clinical testing. Allele origin: germline.
Comment: This variant results in a copy number gain of the genomic region encompassing exons 1-2 of the CDH1 gene. The 5' end of this event is unknown as it extends beyond the assayed region for this gene and therefore may encompass additional genes. The 3' boundary is likely confined to intron 2 of the CDH1 gene. As the precise location of this event is unknown, it may be in tandem or it may be located elsewhere in the genome. This variant has not been reported in the literature in individuals with CDH1-related disease. Experimental studies and prediction algorithms are not available for this variant, and the functional significance of the duplicated amino acids is currently unknown. In summary, the available evidence is currently insufficient to determine the role of this variant in disease. Therefore, it has been classified as a Variant of Uncertain Significance.